The following is an entry in ClinVar:

ClinVar aggregate classification (germline): Pathogenic. Review status: criteria provided, multiple submitters, no conflicts (2 of 4 stars). 3 submissions from 3 submitters: Pathogenic (3). Last evaluated 2024-12-01.

Conditions:
Congenital dyserythropoietic anemia, type II (CDAN2). Also called: DYSERYTHROPOIETIC ANEMIA, HEMPAS TYPE. Identifiers: Orphanet 98873, MedGen C1306589, MONDO:0009134, OMIM 224100.
Cowden syndrome 7 (CWS7). Identifiers: Orphanet 201, MedGen C4225179, MONDO:0014802, OMIM 616858.

Allele frequency attached by ClinVar (database versions not stated): TOPMed below 0.00001.
gnomAD v4.1: 10 of 1,613,958 alleles (0.00062%); highest among the groups gnomAD compares: Non-Finnish European, 0.00085%; no homozygotes.

Submissions (3):

CeGaT Center for Human Genetics Tuebingen
Classification: Pathogenic. Last evaluated: 2024-12-01. Review status: criteria provided, single submitter. Criteria: CeGaT Center For Human Genetics Tuebingen Variant Classification Criteria Version 2. Collection method: clinical testing. Allele origin: germline. Affected: yes. Observed: 1 variant allele.
Comment: SEC23B: PVS1, PM2, PM3

Centre of Medical Genetics, University Hospital Muenster
Classification: Pathogenic. Last evaluated: 2024-10-11. Review status: criteria provided, single submitter. Criteria: ACMG Guidelines, 2015. Collection method: clinical testing. Allele origin: unknown. Affected: yes. Observed: 1 variant allele, 1 heterozygote.
Comment: ACMG categories: PVS1,PS4,PM2_sup,PM3

Labcorp Genetics (formerly Invitae), Labcorp
Classification: Pathogenic for Congenital dyserythropoietic anemia, type II; Cowden syndrome 7. Last evaluated: 2023-12-09. Review status: criteria provided, single submitter. Criteria: Invitae Variant Classification Sherloc (09022015). Collection method: clinical testing. Allele origin: germline.
Comment: This sequence change creates a premature translational stop signal (p.Arg190*) in the SEC23B gene. It is expected to result in an absent or disrupted protein product. Loss-of-function variants in SEC23B are known to be pathogenic (PMID: 19561605, 25044164). This variant is present in population databases (rs541860697, gnomAD 0.002%). This premature translational stop signal has been observed in individual(s) with congenital dyserythropoietic anemia type II (PMID: 19621418, 23935019). For these reasons, this variant has been classified as Pathogenic.

Literature cited by the submitters: PubMed 19561605 (cited by Labcorp Genetics (formerly Invitae), Labcorp); PubMed 25044164 (cited by Labcorp Genetics (formerly Invitae), Labcorp); PubMed 19621418 (cited by Labcorp Genetics (formerly Invitae), Labcorp); PubMed 23935019 (cited by Labcorp Genetics (formerly Invitae), Labcorp).

NM_006363.6(SEC23B):c.568C>T (p.Arg190Ter)

Genes: SEC23B (SEC23 homolog B, COPII component; plus strand), LOC126862987 (MED14-independent group 3 enhancer GRCh37_chr20:18504796-18505995; plus strand). Cytogenetic location: 20p11.23.
Variant type: single nucleotide variant.
Coding change: c.568C>T on transcript NM_006363.6 (MANE Select); coding-DNA position 568, C replaced by T.
Protein change: p.Arg190Ter; replaces arginine 190 with a stop codon.
Molecular consequence: nonsense.
Genome position (GRCh38, 1-based): chr20:18,524,634, C>T. VCF-style: chr20-18524634-C-T. GRCh37 (hg19) VCF-style: chr20-18505278-C-T.
Other names: c.568C>T, p.Arg190Ter (NM_001172745.3, NM_032985.6, NM_032986.5); c.514C>T, p.Arg172Ter (NM_001172746.3); short protein forms R190*, R172*.
Identifiers: ClinVar variation 2925646 (VCV002925646.17), dbSNP rs541860697, ClinGen allele CA312395592.